The following is an entry in ClinVar:

ClinVar aggregate classification (germline): Uncertain significance. Review status: criteria provided, multiple submitters, no conflicts (2 of 4 stars). 2 submissions from 2 submitters: Uncertain significance (2). Last evaluated 2022-03-21.

Conditions:
Alstrom syndrome (ALMS). Identifiers: Orphanet 64, MedGen C0268425, MONDO:0008763, OMIM 203800.

Submissions (2):

Fulgent Genetics
Classification: Uncertain significance for Alstrom syndrome. Last evaluated: 2022-03-21. Review status: criteria provided, single submitter. Criteria: ACMG Guidelines, 2015. Collection method: clinical testing. Allele origin: unknown.

GeneDx
Classification: Uncertain significance. Last evaluated: 2016-09-08. Review status: criteria provided, single submitter. Criteria: GeneDx Variant Classification (06012015). Collection method: clinical testing. Allele origin: germline. Affected: yes.
Comment: The c.1727_1728delACinsCTAGT variant in the ALMS1 gene has not been reported previously as a pathogenic variant nor as a benign variant, to our knowledge. The c.1727_1728delACinsCTAGT variant results in an in-frame deletion of Histidine 576 and insertion of Proline and Serine, denoted p.His576delinsProSer. The c.1727_1728delACinsCTAGT variant was not observed in approximately 6,000 individuals of European and African American ancestry in the NHLBI Exome Sequencing Project, indicating it is not a common benign variant in these populations. We interpret c.1727_1728delACinsCTAGT as a variant of uncertain significance.

NM_001378454.1(ALMS1):c.1724_1725delinsCTAGT (p.His575delinsProSer)

Gene: ALMS1 (ALMS1 centrosome and basal body associated protein; plus strand). Cytogenetic location: 2p13.1.
Variant type: Indel.
Coding change: c.1724_1725delinsCTAGT on transcript NM_001378454.1 (MANE Select); coding-DNA positions 1724 to 1725, AC replaced by CTAGT.
Protein change: p.His575delinsProSer.
Molecular consequence: inframe indel.
Genome position (GRCh38, 1-based): chr2:73,448,251-73,448,252, AC replaced by CTAGT. VCF-style: chr2-73448251-AC-CTAGT. GRCh37 (hg19) VCF-style: chr2-73675378-AC-CTAGT.
Other names: c.1727_1728delACinsCTAGT (NM_015120.4); c.1727_1728delinsCTAGT, p.His576delinsProSer (NM_015120.4).
Identifiers: ClinVar variation 422239 (VCV000422239.3), dbSNP rs1064795650, ClinGen allele CA16617758.